The following is an entry in ClinVar:

ClinVar aggregate classification (germline): Uncertain significance. Review status: criteria provided, multiple submitters, no conflicts (2 of 4 stars). 2 submissions from 2 submitters: Uncertain significance (2). Last evaluated 2025-05-15.

Conditions:
Inborn genetic diseases. Identifiers: MedGen C0950123, MeSH D030342.

Allele frequency attached by ClinVar (database versions not stated): ExAC 0.00002; TOPMed 0.00002; gnomAD 0.00003; ESP Exome Variant Server 0.00008.
gnomAD v4.1: 32 of 1,612,418 alleles (0.002%); highest among the groups gnomAD compares: Admixed American, 0.0067%; no homozygotes.

Submissions (2):

GeneDx
Classification: Uncertain significance. Last evaluated: 2025-05-15. Review status: criteria provided, single submitter. Criteria: GeneDx Variant Classification Process June 2021. Collection method: clinical testing. Allele origin: germline.
Comment: Not observed at significant frequency in large population cohorts (gnomAD); In silico analysis supports that this missense variant has a deleterious effect on protein structure/function; Has not been previously published as pathogenic or benign to our knowledge

Ambry Genetics
Classification: Uncertain significance for Inborn genetic diseases. Last evaluated: 2021-06-01. Review status: criteria provided, single submitter. Criteria: Ambry Variant Classification Scheme 2023. Collection method: clinical testing. Allele origin: germline.

NM_015386.3(COG4):c.2363G>A (p.Arg788His)

Gene: COG4 (component of oligomeric golgi complex 4; minus strand). Cytogenetic location: 16q22.1.
Variant type: single nucleotide variant.
Coding change: c.2363G>A on transcript NM_015386.3 (MANE Select); coding-DNA position 2363, G replaced by A.
Protein change: p.Arg788His; replaces arginine 788 with histidine.
Molecular consequence: missense variant. On other transcripts: non-coding transcript variant (1).
Genome position (GRCh38, 1-based): chr16:70,481,017, C>T on the plus strand (G>A on the coding strand, the complement: COG4 is on the minus strand). VCF-style: chr16-70481017-C-T. GRCh37 (hg19) VCF-style: chr16-70514920-C-T.
Other names: c.2288G>A, p.Arg763His (NM_001195139.2); c.1937G>A, p.Arg646His (NM_001365426.1); short protein forms R646H, R788H, R763H.
Identifiers: ClinVar variation 2230772 (VCV002230772.4), dbSNP rs142971847, ClinGen allele CA8143956.